The following is an entry in ClinVar:

ClinVar aggregate classification (germline): Uncertain significance. Review status: criteria provided, multiple submitters, no conflicts (2 of 4 stars). 3 submissions from 3 submitters: Uncertain significance (3). Last evaluated 2024-11-04.

Conditions:
Developmental and epileptic encephalopathy, 42 (DEE42A). Also called: DEVELOPMENTAL AND EPILEPTIC ENCEPHALOPATHY 42A; EPILEPTIC ENCEPHALOPATHY, EARLY INFANTILE, 42A; Epileptic encephalopathy, early infantile, 42. Identifiers: MedGen C4310716, MONDO:0014917, OMIM 617106.
Episodic ataxia type 2 (EA2). Also called: ACETAZOLAMIDE-RESPONSIVE HEREDITARY PAROXYSMAL CEREBELLAR ATAXIA; EPISODIC ATAXIA, NYSTAGMUS-ASSOCIATED; ATAXIA, EPISODIC, WITH NYSTAGMUS; ATAXIA, FAMILIAL PAROXYSMAL; CEREBELLAR ATAXIA, PAROXYSMAL, ACETAZOLAMIDE-RESPONSIVE; CEREBELLOPATHY, HEREDITARY PAROXYSMAL. Identifiers: Orphanet 97, MedGen C1720416, MONDO:0007163, OMIM 108500.

Submissions (3):

Women's Health and Genetics/Laboratory Corporation of America, LabCorp
Classification: Uncertain significance. Last evaluated: 2024-11-04. Review status: criteria provided, single submitter. Criteria: LabCorp Variant Classification Summary - May 2015. Collection method: clinical testing. Allele origin: germline.
Comment: Variant summary: CACNA1A c.5060A>G (p.Gln1687Arg) results in a conservative amino acid change in the encoded protein sequence. Four of five in-silico tools predict a damaging effect of the variant on protein function. The variant was absent in 249166 control chromosomes. The available data on variant occurrences in the general population are insufficient to allow any conclusion about variant significance. To our knowledge, no occurrence of c.5060A>G in individuals affected with Episodic Ataxia and no experimental evidence demonstrating its impact on protein function have been reported. ClinVar contains an entry for this variant (Variation ID: 1010380). Based on the evidence outlined above, the variant was classified as uncertain significance.

GeneDx
Classification: Uncertain significance. Last evaluated: 2024-03-29. Review status: criteria provided, single submitter. Criteria: GeneDx Variant Classification Process June 2021. Collection method: clinical testing. Allele origin: germline. Affected: yes.
Comment: Not observed at significant frequency in large population cohorts (gnomAD); In silico analysis supports that this missense variant has a deleterious effect on protein structure/function; Has not been previously published as pathogenic or benign to our knowledge

Labcorp Genetics (formerly Invitae), Labcorp
Classification: Uncertain significance for Developmental and epileptic encephalopathy, 42; Episodic ataxia type 2. Last evaluated: 2020-01-15. Review status: criteria provided, single submitter. Criteria: Invitae Variant Classification Sherloc (09022015). Collection method: clinical testing. Allele origin: germline.
Comment: In summary, the available evidence is currently insufficient to determine the role of this variant in disease. Therefore, it has been classified as a Variant of Uncertain Significance. Algorithms developed to predict the effect of missense changes on protein structure and function (SIFT, PolyPhen-2, Align-GVGD) all suggest that this variant is likely to be disruptive, but these predictions have not been confirmed by published functional studies and their clinical significance is uncertain. This variant has not been reported in the literature in individuals with CACNA1A-related conditions. This variant is not present in population databases (ExAC no frequency). This sequence change replaces glutamine with arginine at codon 1687 of the CACNA1A protein (p.Gln1687Arg). The glutamine residue is highly conserved and there is a small physicochemical difference between glutamine and arginine.

NM_001127222.2(CACNA1A):c.5057A>G (p.Gln1686Arg)

Gene: CACNA1A (calcium voltage-gated channel subunit alpha1 A; minus strand). Cytogenetic location: 19p13.13.
Variant type: single nucleotide variant.
Coding change: c.5057A>G on transcript NM_001127222.2 (MANE Select); coding-DNA position 5057, A replaced by G.
Protein change: p.Gln1686Arg; replaces glutamine 1686 with arginine.
Molecular consequence: missense variant.
Genome position (GRCh38, 1-based): chr19:13,235,624, T>C on the plus strand (A>G on the coding strand, the complement: CACNA1A is on the minus strand). VCF-style: chr19-13235624-T-C. GRCh37 (hg19) VCF-style: chr19-13346438-T-C.
Other names: c.5075A>G, p.Gln1692Arg (NM_000068.4, NM_023035.3); c.5060A>G, p.Gln1687Arg (NM_001127221.2); c.5066A>G, p.Gln1689Arg (NM_001174080.2); c.5060A>G (NM_001127221.1); short protein forms Q1686R, Q1687R, Q1689R, Q1692R.
Identifiers: ClinVar variation 1010380 (VCV001010380.14), dbSNP rs2055848608, ClinGen allele CA404336567.